The following is an entry in ClinVar:

NM_005676.5(RBM10):c.1100A>C (p.His367Pro)

Gene: RBM10 (RNA binding motif protein 10; plus strand). Cytogenetic location: Xp11.3.
Variant type: single nucleotide variant.
Coding change: c.1100A>C on transcript NM_005676.5 (MANE Select); coding-DNA position 1100, A replaced by C.
Protein change: p.His367Pro; replaces histidine 367 with proline.
Molecular consequence: missense variant.
Genome position (GRCh38, 1-based): chrX:47,180,249, A>C. VCF-style: chrX-47180249-A-C. GRCh37 (hg19) VCF-style: chrX-47039648-A-C.
Other names: c.869A>C, p.His290Pro (NM_001204466.2); c.1097A>C, p.His366Pro (NM_001204467.2); c.1295A>C, p.His432Pro (NM_001204468.2); c.866A>C, p.His289Pro (NM_152856.3); short protein forms H367P, H290P, H432P, H289P, H366P.
Identifiers: ClinVar variation 520756 (VCV000520756.7), dbSNP rs1556778373, ClinGen allele CA412799817.

ClinVar aggregate classification (germline): Uncertain significance. Review status: criteria provided, multiple submitters, no conflicts (2 of 4 stars). 2 submissions from 2 submitters: Uncertain significance (2). Last evaluated 2024-03-21.

Conditions:
Inborn genetic diseases. Identifiers: MedGen C0950123, MeSH D030342.

Submissions (2):

Labcorp Genetics (formerly Invitae), Labcorp
Classification: Uncertain significance. Last evaluated: 2024-03-21. Review status: criteria provided, single submitter. Criteria: Invitae Variant Classification Sherloc (09022015). Collection method: clinical testing. Allele origin: germline.
Comment: This sequence change replaces histidine, which is basic and polar, with proline, which is neutral and non-polar, at codon 367 of the RBM10 protein (p.His367Pro). This variant is not present in population databases (gnomAD no frequency). This variant has not been reported in the literature in individuals affected with RBM10-related conditions. ClinVar contains an entry for this variant (Variation ID: 520756). Advanced modeling of protein sequence and biophysical properties (such as structural, functional, and spatial information, amino acid conservation, physicochemical variation, residue mobility, and thermodynamic stability) performed at Invitae indicates that this missense variant is not expected to disrupt RBM10 protein function with a negative predictive value of 80%. In summary, the available evidence is currently insufficient to determine the role of this variant in disease. Therefore, it has been classified as a Variant of Uncertain Significance.

Ambry Genetics
Classification: Uncertain significance for Inborn genetic diseases. Last evaluated: 2015-08-25. Review status: criteria provided, single submitter. Criteria: Ambry exome assertion method (8-5-2015). Collection method: clinical testing. Allele origin: germline. Affected: yes. Observed: 1 variant allele.

Literature cited by the submitters: PubMed 15853797 (cited by Ambry Genetics).